The following is an entry in ClinVar:

ClinVar aggregate classification (germline): Likely benign. Review status: criteria provided, multiple submitters, no conflicts (2 of 4 stars). 2 submissions from 2 submitters: Likely benign (2). Last evaluated 2025-10-26.

Conditions:
Developmental and epileptic encephalopathy 94 (DEE94). Also called: CHD2-Related Neurodevelopmental Disorders; Epileptic encephalopathy, childhood-onset. Identifiers: Orphanet 1942, Orphanet 2382, MedGen C3809278, MONDO:0014150, OMIM 615369.

Allele frequency attached by ClinVar (database versions not stated): gnomAD exomes below 0.00001; gnomAD 0.00001; TOPMed 0.00001.
gnomAD v4.1: 4 of 1,604,368 alleles (0.00025%); highest among the groups gnomAD compares: African/African-American, 0.0054%; no homozygotes.

Submissions (2):

Labcorp Genetics (formerly Invitae), Labcorp
Classification: Likely benign for Developmental and epileptic encephalopathy 94. Last evaluated: 2025-10-26. Review status: criteria provided, single submitter. Criteria: Invitae Variant Classification Sherloc (09022015). Collection method: clinical testing. Allele origin: germline.

GeneDx
Classification: Likely benign. Last evaluated: 2017-08-01. Review status: criteria provided, single submitter. Criteria: GeneDx Variant Classification (06012015). Collection method: clinical testing. Allele origin: germline. Affected: yes.
Comment: This variant is considered likely benign or benign based on one or more of the following criteria: it is a conservative change, it occurs at a poorly conserved position in the protein, it is predicted to be benign by multiple in silico algorithms, and/or has population frequency not consistent with disease.

NM_001271.4(CHD2):c.4137+16T>G

Gene: CHD2 (chromodomain helicase DNA binding protein 2; plus strand). Cytogenetic location: 15q26.1.
Variant type: single nucleotide variant.
Coding change: c.4137+16T>G on transcript NM_001271.4 (MANE Select); 16 bases into the intron after coding-DNA position 4137, T replaced by G.
Molecular consequence: intron variant.
Genome position (GRCh38, 1-based): chr15:93,000,656, T>G. VCF-style: chr15-93000656-T-G. GRCh37 (hg19) VCF-style: chr15-93543886-T-G.
Identifiers: ClinVar variation 511246 (VCV000511246.2), dbSNP rs952397816, ClinGen allele CA274873860.